The following is an entry in ClinVar:

NM_004036.5(ADCY3):c.716T>C (p.Val239Ala)

Gene: ADCY3 (adenylate cyclase 3; minus strand). Cytogenetic location: 2p23.3.
Variant type: single nucleotide variant.
Coding change: c.716T>C on transcript NM_004036.5 (MANE Select); coding-DNA position 716, T replaced by C.
Protein change: p.Val239Ala; replaces valine 239 with alanine.
Molecular consequence: missense variant. On other transcripts: 5 prime UTR variant (1).
Genome position (GRCh38, 1-based): chr2:24,872,679, A>G on the plus strand (T>C on the coding strand, the complement: ADCY3 is on the minus strand). VCF-style: chr2-24872679-A-G. GRCh37 (hg19) VCF-style: chr2-25095548-A-G.
Other names: c.716T>C, p.Val239Ala (NM_001320613.2, NM_001377128.1, NM_001377129.1 and 2 more transcripts); c.-8T>C (NM_001377131.1); short protein forms V239A.
Identifiers: ClinVar variation 2117502 (VCV002117502.4), dbSNP rs1397575314, ClinGen allele CA346070061.

ClinVar aggregate classification (germline): Uncertain significance (1 of 4 stars; one submission).

Allele frequency attached by ClinVar (database versions not stated): gnomAD 0.00001.

Submission:

Labcorp Genetics (formerly Invitae), Labcorp
Classification: Uncertain significance. Last evaluated: 2024-04-08. Review status: criteria provided, single submitter. Criteria: Invitae Variant Classification Sherloc (09022015). Collection method: clinical testing. Allele origin: germline.
Comment: This sequence change replaces valine, which is neutral and non-polar, with alanine, which is neutral and non-polar, at codon 239 of the ADCY3 protein (p.Val239Ala). This variant is present in population databases (no rsID available, gnomAD 0.007%). This variant has not been reported in the literature in individuals affected with ADCY3-related conditions. ClinVar contains an entry for this variant (Variation ID: 2117502). Advanced modeling of protein sequence and biophysical properties (such as structural, functional, and spatial information, amino acid conservation, physicochemical variation, residue mobility, and thermodynamic stability) performed at Invitae indicates that this missense variant is not expected to disrupt ADCY3 protein function with a negative predictive value of 80%. In summary, the available evidence is currently insufficient to determine the role of this variant in disease. Therefore, it has been classified as a Variant of Uncertain Significance.